The following is an entry in ClinVar:

NM_138694.4(PKHD1):c.5585C>T (p.Ser1862Leu)

Gene: PKHD1 (PKHD1 ciliary IPT domain containing fibrocystin/polyductin; minus strand). Cytogenetic location: 6p12.2.
Variant type: single nucleotide variant.
Coding change: c.5585C>T on transcript NM_138694.4 (MANE Select); coding-DNA position 5585, C replaced by T.
Protein change: p.Ser1862Leu; replaces serine 1862 with leucine.
Molecular consequence: missense variant.
Genome position (GRCh38, 1-based): chr6:52,017,425, G>A on the plus strand (C>T on the coding strand, the complement: PKHD1 is on the minus strand). VCF-style: chr6-52017425-G-A. GRCh37 (hg19) VCF-style: chr6-51882223-G-A.
Other names: c.5585C>T, p.Ser1862Leu (NM_170724.3); short protein forms S1862L.
Identifiers: ClinVar variation 557863 (VCV000557863.16), dbSNP rs147933501, ClinGen allele CA3852489.
Genomic context (GRCh38, chr6:52,017,425, plus strand): 5'-CCAAGCATTTGTGGGGAAGTTCAGGGAGGGAGAAGGTAAAGTTACCTGATAAAGAGGCCC[G>A]AGAATGATGGAAACATTGACTCTGCCCAATGATCTGGCACAAAGAGGCATTGGGAACTTT-3'
Protein context (NP_619639.3, residues 1852-1872): HWAESMFPSF[Ser1862Leu]GLFISPKLER

ClinVar aggregate classification (germline): Uncertain significance. Review status: criteria provided, multiple submitters, no conflicts (2 of 4 stars). 8 submissions from 8 submitters: Uncertain significance (6). 2 of the submissions do not count toward it. Last evaluated 2024-02-28.

Conditions:
Autosomal recessive polycystic kidney disease (ARPKD). Also called: AR polycystic kidney disease. Identifiers: Orphanet 731, Orphanet 8378, MedGen C0085548, MeSH D017044, MONDO:0009889.
Polycystic kidney disease 4 (PKD4). Also called: POLYCYSTIC KIDNEY DISEASE 4 WITH OR WITHOUT POLYCYSTIC LIVER DISEASE; Autosomal Recessive Polycystic Kidney Disease – PKHD1; POLYCYSTIC KIDNEY AND HEPATIC DISEASE 1; POLYCYSTIC KIDNEY DISEASE, INFANTILE, TYPE I; PKD3. Identifiers: MedGen C4540575, MONDO:0033004, OMIM 263200.

Allele frequency attached by ClinVar (database versions not stated): TOPMed 0.00001; ESP Exome Variant Server 0.00008; gnomAD exomes 0.00010 and 0.00025; ExAC 0.00021; gnomAD 0.00021 and 0.00022.
gnomAD v4.1: 178 of 1,612,332 alleles (0.011%); highest among the groups gnomAD compares: Middle Eastern, 0.016%; no homozygotes.

Submissions (8):

Blueprint Genetics
Classification: Uncertain significance. Last evaluated: 2024-02-28. Review status: criteria provided, single submitter. Criteria: ACMG Guidelines, 2015. Collection method: clinical testing. Allele origin: germline.

Fulgent Genetics
Classification: Uncertain significance for Polycystic kidney disease 4. Last evaluated: 2023-12-21. Review status: criteria provided, single submitter. Criteria: ACMG Guidelines, 2015. Collection method: clinical testing. Allele origin: germline.

Baylor Genetics
Classification: Uncertain significance for Polycystic kidney disease 4. Last evaluated: 2023-10-14. Review status: criteria provided, single submitter. Criteria: ACMG Guidelines, 2015. Collection method: clinical testing. Allele origin: unknown.

Women's Health and Genetics/Laboratory Corporation of America, LabCorp
Classification: Uncertain significance. Last evaluated: 2021-08-20. Review status: criteria provided, single submitter. Criteria: LabCorp Variant Classification Summary - May 2015. Collection method: clinical testing. Allele origin: germline.
Comment: Variant summary: PKHD1 c.5585C>T (p.Ser1862Leu) results in a non-conservative amino acid change in the encoded protein sequence. Four of five in-silico tools predict a benign effect of the variant on protein function. The variant allele was found at a frequency of 0.00025 in 251294 control chromosomes (gnomAD). This frequency is not higher than expected for a pathogenic variant in PKHD1 causing Polycystic Kidney And Hepatic Disease (0.00025 vs 0.0071), allowing no conclusion about variant significance. c.5585C>T has been reported in the literature in individuals affected with Polycystic Kidney And Hepatic Disease (e.g. Bergmann_2005, Gunay-Aygun_2010, Tong_2016). These reports do not provide unequivocal conclusions about association of the variant with Polycystic Kidney And Hepatic Disease. To our knowledge, no experimental evidence demonstrating an impact on protein function has been reported. Two ClinVar submitters (evaluation after 2014) cite the variant as uncertain significance. Based on the evidence outlined above, the variant was classified as uncertain significance.

Labcorp Genetics (formerly Invitae), Labcorp
Classification: Uncertain significance for Autosomal recessive polycystic kidney disease. Last evaluated: 2018-06-25. Review status: criteria provided, single submitter. Criteria: Invitae Variant Classification Sherloc (09022015). Collection method: clinical testing. Allele origin: germline.
Comment: This sequence change replaces serine with leucine at codon 1862 of the PKHD1 protein (p.Ser1862Leu). The serine residue is highly conserved and there is a large physicochemical difference between serine and leucine. This variant is present in population databases (rs147933501, ExAC 0.3%), and has an allele count higher than expected for a pathogenic variant (PMID: 28166811). This variant has been observed on the opposite chromosome (in trans) from other pathogenic variants in individuals affected with autosomal-recessive polycystic kidney disease(PMID: 15698423,¬† 20415584). This finding is consistent with autosomal recessive inheritance, and suggests that this variant contributes to disease. Algorithms developed to predict the effect of missense changes on protein structure and function output the following: SIFT: "Tolerated"; PolyPhen-2: "Benign"; Align-GVGD: "Class C0". The leucine amino acid residue is found in multiple mammalian species, suggesting that this missense change does not adversely affect protein function. These predictions have not been confirmed by published functional studies and their clinical significance is uncertain. In summary, the available evidence is currently insufficient to determine the role of this variant in disease. Therefore, it has been classified as a Variant of Uncertain Significance.

Eurofins Ntd Llc (ga)
Classification: Uncertain significance. Last evaluated: 2017-11-13. Review status: criteria provided, single submitter. Criteria: EGL Classification Definitions 2015. Collection method: clinical testing. Allele origin: germline. Observed: 1 variant allele, 1 heterozygote.

Natera, Inc.
Classification: Uncertain significance for Autosomal recessive polycystic kidney disease. Last evaluated: 2019-06-10. Review status: no assertion criteria provided. Collection method: clinical testing. Allele origin: germline. Not counted in ClinVar's aggregate classification.

Counsyl
Classification: Uncertain significance for Polycystic kidney disease 4. Last evaluated: 2018-04-13. Review status: no assertion criteria provided. Collection method: clinical testing. Allele origin: unknown. Not counted in ClinVar's aggregate classification.

Literature cited by the submitters: PubMed 15698423 (cited by 3 submitters); PubMed 20413436 (cited by Women's Health and Genetics/Laboratory Corporation of America, LabCorp and Counsyl); PubMed 27752906 (cited by Women's Health and Genetics/Laboratory Corporation of America, LabCorp and Counsyl); PubMed 19914852 (cited by Women's Health and Genetics/Laboratory Corporation of America, LabCorp); PubMed 22415584 (cited by Women's Health and Genetics/Laboratory Corporation of America, LabCorp); PubMed 28166811 (cited by Labcorp Genetics (formerly Invitae), Labcorp).